The following is an entry in ClinVar:

NM_032043.3(BRIP1):c.3262C>G (p.His1088Asp)

Gene: BRIP1 (BRCA1 interacting DNA helicase 1; minus strand). Cytogenetic location: 17q23.2.
Variant type: single nucleotide variant.
Coding change: c.3262C>G on transcript NM_032043.3 (MANE Select); coding-DNA position 3262, C replaced by G.
Protein change: p.His1088Asp; replaces histidine 1088 with aspartic acid.
Molecular consequence: missense variant.
Genome position (GRCh38, 1-based): chr17:61,683,784, G>C on the plus strand (C>G on the coding strand, the complement: BRIP1 is on the minus strand). VCF-style: chr17-61683784-G-C. GRCh37 (hg19) VCF-style: chr17-59761145-G-C.
Other names: short protein forms H1088D.
Identifiers: ClinVar variation 1729545 (VCV001729545.2), dbSNP rs878855154, ClinGen allele CA400479103.
Genomic context (GRCh38, chr17:61,683,784, plus strand): 5'-CTAGAGACAATTCAATGTCTGGATCCAGGGCTTCTTCAGAACAGAGCGGATGTTCAGAAT[G>C]ATTTTTTCTAGTAAGGGTGGCATCAATCTTTAATGATGAAATAATGGTTTCTGATTGAGG-3'
Protein context (NP_114432.2, residues 1078-1098): KIDATLTRKN[His1088Asp]SEHPLCSEEA

ClinVar aggregate classification (germline): Uncertain significance (1 of 4 stars; one submission).

Conditions:
Hereditary cancer-predisposing syndrome. Also called: Neoplastic Syndromes, Hereditary; Tumor predisposition; Hereditary Cancer Syndrome; Hereditary neoplastic syndrome. Identifiers: Orphanet 140162, MedGen C0027672, MeSH D009386, MONDO:0015356.

Submission:

Ambry Genetics
Classification: Uncertain significance for Hereditary cancer-predisposing syndrome. Last evaluated: 2018-07-10. Review status: criteria provided, single submitter. Criteria: Ambry Variant Classification Scheme 2023. Collection method: clinical testing. Allele origin: germline.
Comment: The p.H1088D variant (also known as c.3262C>G), located in coding exon 19 of the BRIP1 gene, results from a C to G substitution at nucleotide position 3262. The histidine at codon 1088 is replaced by aspartic acid, an amino acid with similar properties. This amino acid position is not well conserved in available vertebrate species. In addition, this alteration is predicted to be tolerated by in silico analysis. Since supporting evidence is limited at this time, the clinical significance of this alteration remains unclear.